The following is an entry in ClinVar:

ClinVar aggregate classification (germline): Uncertain significance (1 of 4 stars; one submission).

Conditions:
CHARGE syndrome (CHARGE). Also called: Hittner Hirsch Kreh syndrome; CHARGE ASSOCIATION--COLOBOMA, HEART ANOMALY, CHOANAL ATRESIA, RETARDATION, GENITAL AND EAR ANOMALIES; Coloboma, heart anomaly, choanal atresia, retardation, genital and ear anomalies; CHARGE association; Hall-Hittner syndrome. Identifiers: Orphanet 138, MedGen C0265354, MONDO:0008965.

gnomAD v4.1: 5 of 1,613,532 alleles (0.00031%); highest among the groups gnomAD compares: Non-Finnish European, 0.00034%; no homozygotes.

Submission:

Labcorp Genetics (formerly Invitae), Labcorp
Classification: Uncertain significance for CHARGE syndrome. Last evaluated: 2023-02-27. Review status: criteria provided, single submitter. Criteria: Invitae Variant Classification Sherloc (09022015). Collection method: clinical testing. Allele origin: germline.
Comment: In summary, the available evidence is currently insufficient to determine the role of this variant in disease. Therefore, it has been classified as a Variant of Uncertain Significance. Advanced modeling of protein sequence and biophysical properties (such as structural, functional, and spatial information, amino acid conservation, physicochemical variation, residue mobility, and thermodynamic stability) performed at Invitae indicates that this missense variant is not expected to disrupt SEMA3E protein function. This variant has not been reported in the literature in individuals affected with SEMA3E-related conditions. This variant is present in population databases (no rsID available, gnomAD 0.0009%). This sequence change replaces isoleucine, which is neutral and non-polar, with valine, which is neutral and non-polar, at codon 612 of the SEMA3E protein (p.Ile612Val).

NM_012431.3(SEMA3E):c.1834A>G (p.Ile612Val)

Gene: SEMA3E (semaphorin 3E; minus strand). Cytogenetic location: 7q21.11.
Variant type: single nucleotide variant.
Coding change: c.1834A>G on transcript NM_012431.3 (MANE Select); coding-DNA position 1834, A replaced by G.
Protein change: p.Ile612Val; replaces isoleucine 612 with valine.
Molecular consequence: missense variant.
Genome position (GRCh38, 1-based): chr7:83,385,335, T>C on the plus strand (A>G on the coding strand, the complement: SEMA3E is on the minus strand). VCF-style: chr7-83385335-T-C. GRCh37 (hg19) VCF-style: chr7-83014651-T-C.
Other names: c.1654A>G, p.Ile552Val (NM_001178129.2); short protein forms I552V, I612V.
Identifiers: ClinVar variation 2910962 (VCV002910962.3), dbSNP rs560983031, ClinGen allele CA367921754.
Genomic context (GRCh38, chr7:83,385,335, plus strand): 5'-ATATGCAGCTATGAATTACCTCCTCTTTTCTTGTCTCACGTCCTTTCTGTACAAACCAGA[T>C]AACTTTCGCTTGTAAAGATCGTGGGGTACATTCCAGCAAAGTACTGTTGTTCTCTATGCC-3'
Protein context (NP_036563.1, residues 602-622): CTPRSLQAKV[Ile612Val]WFVQKGRETR